The following is an entry in ClinVar:

NM_001197104.2(KMT2A):c.9984C>G (p.His3328Gln)

Gene: KMT2A (lysine methyltransferase 2A; plus strand). Cytogenetic location: 11q23.3.
Variant type: single nucleotide variant.
Coding change: c.9984C>G on transcript NM_001197104.2 (MANE Select); coding-DNA position 9984, C replaced by G.
Protein change: p.His3328Gln; replaces histidine 3328 with glutamine.
Molecular consequence: missense variant.
Genome position (GRCh38, 1-based): chr11:118,505,876, C>G. VCF-style: chr11-118505876-C-G. GRCh37 (hg19) VCF-style: chr11-118376591-C-G.
Other names: c.10074C>G, p.His3358Gln (NM_001412597.1); c.9975C>G, p.His3325Gln (NM_005933.4); short protein forms H3325Q, H3358Q, H3328Q.
Identifiers: ClinVar variation 2991186 (VCV002991186.3), dbSNP rs2497025215, ClinGen allele CA382822409.
Genomic context (GRCh38, chr11:118,505,876, plus strand): 5'-TGTGGGAGGAACTGCTGCCACAGCGGCAGGCACATCAACAATAAGCCAGGATACTAGCCA[C>G]CTCACATCAGGGTCTGTGTCTGGCTTGGCATCCAGTTCCTCTGTCTTGAATGTTGTATCC-3'
Protein context (NP_001184033.1, residues 3318-3338): GTSTISQDTS[His3328Gln]LTSGSVSGLA

ClinVar aggregate classification (germline): Uncertain significance (1 of 4 stars; one submission).

Submission:

Labcorp Genetics (formerly Invitae), Labcorp
Classification: Uncertain significance. Last evaluated: 2023-11-10. Review status: criteria provided, single submitter. Criteria: Invitae Variant Classification Sherloc (09022015). Collection method: clinical testing. Allele origin: germline.
Comment: This sequence change replaces histidine, which is basic and polar, with glutamine, which is neutral and polar, at codon 3328 of the KMT2A protein (p.His3328Gln). This variant is not present in population databases (gnomAD no frequency). This variant has not been reported in the literature in individuals affected with KMT2A-related conditions. Advanced modeling of protein sequence and biophysical properties (such as structural, functional, and spatial information, amino acid conservation, physicochemical variation, residue mobility, and thermodynamic stability) performed at Invitae indicates that this missense variant is not expected to disrupt KMT2A protein function with a negative predictive value of 95%. In summary, the available evidence is currently insufficient to determine the role of this variant in disease. Therefore, it has been classified as a Variant of Uncertain Significance.